The following is an entry in ClinVar:

NM_006059.4(LAMC3):c.3647C>A (p.Ala1216Glu)

Gene: LAMC3 (laminin subunit gamma 3; plus strand). Cytogenetic location: 9q34.12.
Variant type: single nucleotide variant.
Coding change: c.3647C>A on transcript NM_006059.4 (MANE Select); coding-DNA position 3647, C replaced by A.
Protein change: p.Ala1216Glu; replaces alanine 1216 with glutamic acid.
Molecular consequence: missense variant.
Genome position (GRCh38, 1-based): chr9:131,077,204, C>A. VCF-style: chr9-131077204-C-A. GRCh37 (hg19) VCF-style: chr9-133952591-C-A.
Other names: short protein forms A1216E.
Identifiers: ClinVar variation 1431637 (VCV001431637.5), dbSNP rs753468963, ClinGen allele CA375261186.

ClinVar aggregate classification (germline): Uncertain significance (1 of 4 stars; one submission).

Submission:

Labcorp Genetics (formerly Invitae), Labcorp
Classification: Uncertain significance. Last evaluated: 2021-09-02. Review status: criteria provided, single submitter. Criteria: Invitae Variant Classification Sherloc (09022015). Collection method: clinical testing. Allele origin: germline.
Comment: This sequence change replaces alanine with glutamic acid at codon 1216 of the LAMC3 protein (p.Ala1216Glu). The alanine residue is moderately conserved and there is a moderate physicochemical difference between alanine and glutamic acid. This variant is not present in population databases (ExAC no frequency). This variant has not been reported in the literature in individuals affected with LAMC3-related conditions. Algorithms developed to predict the effect of missense changes on protein structure and function output the following: SIFT: "Tolerated"; PolyPhen-2: "Benign"; Align-GVGD: "Class C0". The glutamic acid amino acid residue is found in multiple mammalian species, which suggests that this missense change does not adversely affect protein function. In summary, the available evidence is currently insufficient to determine the role of this variant in disease. Therefore, it has been classified as a Variant of Uncertain Significance.